The following is an entry in ClinVar:

NM_001080.3(ALDH5A1):c.526G>A (p.Gly176Arg)

Gene: ALDH5A1 (aldehyde dehydrogenase 5 family member A1; plus strand). Cytogenetic location: 6p22.3.
Variant type: single nucleotide variant.
Coding change: c.526G>A on transcript NM_001080.3 (MANE Select); coding-DNA position 526, G replaced by A.
Protein change: p.Gly176Arg; replaces glycine 176 with arginine.
Molecular consequence: missense variant.
Genome position (GRCh38, 1-based): chr6:24,503,350, G>A. VCF-style: chr6-24503350-G-A. GRCh37 (hg19) VCF-style: chr6-24503578-G-A.
Other names: c.526G>A, p.Gly176Arg (NM_001368954.1, NM_170740.1); short protein forms G176R.
Identifiers: ClinVar variation 379247 (VCV000379247.13), dbSNP rs72552281, ClinGen allele CA16604920.
Genomic context (GRCh38, chr6:24,503,350, plus strand): 5'-GAAATTCTCTATTCCGCCTTTTTCCTAGAGTGGTTCTCTGAGGAAGCCCGCCGTGTTTAC[G>A]GAGACATTATCCACACCCCGGCAAAGGACAGGCGGGCCCTGGTCCTCAAGCAGCCCATAG-3'
Protein context (NP_001071.1, residues 166-186): WFSEEARRVY[Gly176Arg]DIIHTPAKDR

ClinVar aggregate classification (germline): Pathogenic. Review status: criteria provided, multiple submitters, no conflicts (2 of 4 stars). 3 submissions from 3 submitters: Pathogenic (3). Last evaluated 2024-10-24.

Conditions:
Succinate-semialdehyde dehydrogenase deficiency (SSADHD). Also called: Succinic Semialdehyde Dehydrogenase Deficiency; SSADH DEFICIENCY; GABA METABOLIC DEFECT; 4-HYDROXYBUTYRIC ACIDURIA. Identifiers: Orphanet 22, MedGen C0268631, MONDO:0010083, OMIM 271980.

Allele frequency attached by ClinVar (database versions not stated): TOPMed 0.00001; gnomAD 0.00002.
gnomAD v4.1: 22 of 1,613,968 alleles (0.0014%); highest among the groups gnomAD compares: East Asian, 0.0022%; no homozygotes.

Submissions (3):

Labcorp Genetics (formerly Invitae), Labcorp
Classification: Pathogenic for Succinate-semialdehyde dehydrogenase deficiency. Last evaluated: 2024-10-24. Review status: criteria provided, single submitter. Criteria: Invitae Variant Classification Sherloc (09022015). Collection method: clinical testing. Allele origin: germline.
Comment: This sequence change replaces glycine, which is neutral and non-polar, with arginine, which is basic and polar, at codon 176 of the ALDH5A1 protein (p.Gly176Arg). This variant is present in population databases (rs72552281, gnomAD 0.007%). This missense change has been observed in individual(s) with succinate semialdehyde dehydrogenase deficiency (PMID: 14635103, 29895405). ClinVar contains an entry for this variant (Variation ID: 379247). Invitae Evidence Modeling of protein sequence and biophysical properties (such as structural, functional, and spatial information, amino acid conservation, physicochemical variation, residue mobility, and thermodynamic stability) has been performed for this missense variant. However, the output from this modeling did not meet the statistical confidence thresholds required to predict the impact of this variant on ALDH5A1 protein function. Experimental studies have shown that this missense change affects ALDH5A1 function (PMID: 14635103, 29895405). For these reasons, this variant has been classified as Pathogenic.

Elsea Laboratory, Baylor College of Medicine
Classification: Pathogenic for Succinate-semialdehyde dehydrogenase deficiency. Last evaluated: 2021-03-08. Review status: criteria provided, single submitter. Criteria: Martin et al. (J Child Neurol. 2021). Collection method: curation. Allele origin: germline. Affected: yes.
Comment: enzyme activity <1%; oligomerization domain

GeneDx
Classification: Pathogenic. Last evaluated: 2015-03-19. Review status: criteria provided, single submitter. Criteria: GeneDx Variant Classification (06012015). Collection method: clinical testing. Allele origin: germline. Affected: yes.
Comment: The G176R variant in the ALDH5A1 gene has been reported previously in association with SSADHdeficiency (Akaboshi et al., 2003). Functional characterization of the G176R substitution showed almostcomplete loss of SSADH activity (Akaboshi et al., 2003). The G176R variant was not observed inapproximately 6500 individuals of European and African American ancestry in the NHLBI ExomeSequencing Project, indicating it is not a common benign variant in these populations. The G176R variantis a non-conservative amino acid substitution of a conserved, non-polar Glycine residue with a polar Arginine residue. Given the available evidence, we interpret G176R as a pathogenic variant.

Literature cited by the submitters: PubMed 14635103 (cited by Labcorp Genetics (formerly Invitae), Labcorp and Elsea Laboratory, Baylor College of Medicine); PubMed 29895405 (cited by Labcorp Genetics (formerly Invitae), Labcorp and Elsea Laboratory, Baylor College of Medicine); PubMed 32402538 (cited by Elsea Laboratory, Baylor College of Medicine).